The following is an entry in ClinVar:

ClinVar aggregate classification (germline): Uncertain significance (1 of 4 stars; one submission).

Conditions:
Long QT syndrome (LQTS). Identifiers: MedGen C0023976, MeSH D008133, MONDO:0002442. Disease mechanism: loss of function. Inheritance: Various modes of inheritance.

Submission:

Labcorp Genetics (formerly Invitae), Labcorp
Classification: Uncertain significance for Long QT syndrome. Last evaluated: 2025-08-20. Review status: criteria provided, single submitter. Criteria: Invitae Variant Classification Sherloc (09022015). Collection method: clinical testing. Allele origin: germline.
Comment: This sequence change replaces aspartic acid, which is acidic and polar, with tyrosine, which is neutral and polar, at codon 136 of the KCNH2 protein (p.Asp136Tyr). This variant is not present in population databases (gnomAD no frequency). This variant has not been reported in the literature in individuals affected with KCNH2-related conditions. ClinVar contains an entry for this variant (Variation ID: 1480383). An algorithm developed to predict the effect of missense changes on protein structure and function (PolyPhen-2) suggests that this variant is likely to be tolerated. In summary, the available evidence is currently insufficient to determine the role of this variant in disease. Therefore, it has been classified as a Variant of Uncertain Significance.

NM_000238.4(KCNH2):c.406G>T (p.Asp136Tyr)

Gene: KCNH2 (potassium voltage-gated channel subfamily H member 2; minus strand). Cytogenetic location: 7q36.1.
Variant type: single nucleotide variant.
Coding change: c.406G>T on transcript NM_000238.4 (MANE Select); coding-DNA position 406, G replaced by T.
Protein change: p.Asp136Tyr; replaces aspartic acid 136 with tyrosine.
Molecular consequence: missense variant.
Genome position (GRCh38, 1-based): chr7:150,959,638, C>A on the plus strand (G>T on the coding strand, the complement: KCNH2 is on the minus strand). VCF-style: chr7-150959638-C-A. GRCh37 (hg19) VCF-style: chr7-150656726-C-A.
Other names: c.118G>T, p.Asp40Tyr (NM_001406753.1, NM_001406756.1); c.229G>T, p.Asp77Tyr (NM_001406755.1); c.106G>T, p.Asp36Tyr (NM_001406757.1); c.406G>T, p.Asp136Tyr (NM_172056.3); short protein forms D136Y, D40Y, D36Y, D77Y.
Identifiers: ClinVar variation 1480383 (VCV001480383.7), dbSNP rs2117011882, ClinGen allele CA369863720.